The following is an entry in ClinVar:

NM_004897.5(MINPP1):c.1401del (p.Ser468fs)

Genes: MINPP1 (multiple inositol-polyphosphate phosphatase 1; plus strand), LOC126860990 (CDK7 strongly-dependent group 2 enhancer GRCh37_chr10:89311461-89312660; plus strand). Cytogenetic location: 10q23.2.
Variant type: Deletion.
Coding change: c.1401del on transcript NM_004897.5 (MANE Select); coding-DNA position 1401, one base deleted (G; older notation c.1401delG).
Protein change: p.Ser468fs; shifts the reading frame from serine 468.
Molecular consequence: frameshift variant. On other transcripts: 3 prime UTR variant (1).
Genome position (GRCh38, 1-based): chr10:87,552,415, G deleted. VCF-style (leftmost placement, unchanged base first): chr10-87552414-AG-A. GRCh37 (hg19) VCF-style: chr10-89312171-AG-A.
Other names: c.*230del (NM_001178117.2); c.798del, p.Ser267fs (NM_001178118.2); c.1401delG (NM_004897.5); short protein forms S267fs, S468fs.
Identifiers: ClinVar variation 1801152 (VCV001801152.4), dbSNP rs2492635186, ClinGen allele CA2580082117.

ClinVar aggregate classification (germline): Pathogenic/Likely pathogenic. Review status: criteria provided, multiple submitters, no conflicts (2 of 4 stars). 3 submissions from 3 submitters: Pathogenic (1); Likely pathogenic (2). Last evaluated 2025-11-17.

Conditions:
Pontocerebellar hypoplasia, type 16. Identifiers: MedGen C5561987, MONDO:0030438, OMIM 619527.

Submissions (3):

3billion
Classification: Likely pathogenic for Pontocerebellar hypoplasia, type 16. Last evaluated: 2025-11-17. Review status: criteria provided, single submitter. Criteria: ACMG Guidelines, 2015. Collection method: clinical testing. Allele origin: germline. Affected: yes.
Comment: The variant is not observed in the gnomAD v4.1.0 dataset. Predicted Consequence/Location: Frameshift: predicted to result in a loss or disruption of normal protein function through protein truncation. Multiple pathogenic variants are reported in the predicted truncated region. The variant has been reported at least twice as pathogenic without evidence for the classification (ClinVar ID: VCV001801152 /PMID: 33168985). Therefore, this variant is classified as Likely pathogenic according to the recommendation of ACMG/AMP guideline.

Human Genetics Section, Sidra Medicine
Classification: Pathogenic for Pontocerebellar hypoplasia, type 16. Last evaluated: 2024-11-01. Review status: criteria provided, single submitter. Criteria: ACMG Guidelines, 2015. Collection method: research. Allele origin: germline. Affected: yes. Observed: 1 variant allele.
Comment: This variant is not present in population databases (gnomAD no frequency). Frameshift variant predicted to result in protein truncation or nonsense mediated decay in a gene for which loss-of-function is a known mechanism of disease. Well-established functional studies supportive of a damaging effect on the gene or gene product. Reported in affected case in PMID: 33168985.

GeneDx
Classification: Likely pathogenic. Last evaluated: 2022-11-21. Review status: criteria provided, single submitter. Criteria: GeneDx Variant Classification Process June 2021. Collection method: clinical testing. Allele origin: germline. Affected: yes.
Comment: Frameshift variant predicted to result in protein truncation as the last 20 amino acids are replaced with 9 different amino acids, although loss-of-function variants have not been reported downstream of this position in the protein; Not observed at significant frequency in large population cohorts (gnomAD); This variant is associated with the following publications: (PMID: 33168985)

Literature cited by the submitters: PubMed 33168985 (cited by 3billion).